The following is an entry in ClinVar:

ClinVar aggregate classification (germline): Uncertain significance (1 of 4 stars; one submission).

Conditions:
Charcot-Marie-Tooth disease dominant intermediate C (CMTDIC). Also called: CHARCOT-MARIE-TOOTH NEUROPATHY, DOMINANT INTERMEDIATE C. Identifiers: Orphanet 100045, MedGen C1842237, MONDO:0012012, OMIM 608323.

Allele frequency attached by ClinVar (database versions not stated): gnomAD 0.00002; TOPMed 0.00002.
gnomAD v4.1: 3 of 1,614,116 alleles (0.00019%); highest among the groups gnomAD compares: African/African-American, 0.004%; no homozygotes.

Submission:

Labcorp Genetics (formerly Invitae), Labcorp
Classification: Uncertain significance for Charcot-Marie-Tooth disease dominant intermediate C. Last evaluated: 2023-11-08. Review status: criteria provided, single submitter. Criteria: Invitae Variant Classification Sherloc (09022015). Collection method: clinical testing. Allele origin: germline.
Comment: This sequence change replaces aspartic acid, which is acidic and polar, with valine, which is neutral and non-polar, at codon 478 of the YARS protein (p.Asp478Val). This variant is present in population databases (no rsID available, gnomAD 0.008%). This variant has not been reported in the literature in individuals affected with YARS-related conditions. Advanced modeling of protein sequence and biophysical properties (such as structural, functional, and spatial information, amino acid conservation, physicochemical variation, residue mobility, and thermodynamic stability) performed at Invitae indicates that this missense variant is not expected to disrupt YARS protein function with a negative predictive value of 80%. In summary, the available evidence is currently insufficient to determine the role of this variant in disease. Therefore, it has been classified as a Variant of Uncertain Significance.

NM_003680.4(YARS1):c.1433A>T (p.Asp478Val)

Gene: YARS1 (tyrosyl-tRNA synthetase 1; minus strand). Cytogenetic location: 1p35.1.
Variant type: single nucleotide variant.
Coding change: c.1433A>T on transcript NM_003680.4 (MANE Select); coding-DNA position 1433, A replaced by T.
Protein change: p.Asp478Val; replaces aspartic acid 478 with valine.
Molecular consequence: missense variant.
Genome position (GRCh38, 1-based): chr1:32,779,425, T>A on the plus strand (A>T on the coding strand, the complement: YARS1 is on the minus strand). VCF-style: chr1-32779425-T-A. GRCh37 (hg19) VCF-style: chr1-33245026-T-A.
Other names: short protein forms D478V.
Identifiers: ClinVar variation 2955065 (VCV002955065.3), dbSNP rs1040872908, ClinGen allele CA20273370.